The following is an entry in ClinVar:

ClinVar aggregate classification (germline): Likely benign. Review status: criteria provided, multiple submitters, no conflicts (2 of 4 stars). 3 submissions from 3 submitters: Likely benign (2). 1 of the submissions does not count toward it. Last evaluated 2026-01-05.

Conditions:
COQ2-related disorder. Also called: COQ2-related condition.

gnomAD v4.1: 5 of 1,525,962 alleles (0.00033%); highest among the groups gnomAD compares: East Asian, 0.0078%; no homozygotes.

Submissions (3):

Labcorp Genetics (formerly Invitae), Labcorp
Classification: Likely benign. Last evaluated: 2026-01-05. Review status: criteria provided, single submitter. Criteria: Invitae Variant Classification Sherloc (09022015). Collection method: clinical testing. Allele origin: germline.

Blueprint Genetics
Classification: Likely benign. Last evaluated: 2019-09-15. Review status: criteria provided, single submitter. Criteria: ACMG Guidelines, 2015. Collection method: clinical testing. Allele origin: germline.

PreventionGenetics, part of Exact Sciences
Classification: Likely benign for COQ2-related condition. Last evaluated: 2023-02-09. Review status: no assertion criteria provided. Collection method: clinical testing. Allele origin: germline. Not counted in ClinVar's aggregate classification.
Comment: This variant is classified as likely benign based on ACMG/AMP sequence variant interpretation guidelines (Richards et al. 2015 PMID: 25741868, with internal and published modifications).

NM_001358921.2(COQ2):c.27C>T (p.Phe9=)

Genes: COQ2 (coenzyme Q2, polyprenyltransferase; minus strand), LOC112997540 (Sharpr-MPRA regulatory region 13773; plus strand). Cytogenetic location: 4q21.23.
Variant type: single nucleotide variant.
Coding change: c.27C>T on transcript NM_001358921.2 (MANE Select); coding-DNA position 27, C replaced by T.
Protein change: p.Phe9=; no amino-acid change (phenylalanine 9 retained).
Molecular consequence: synonymous variant.
Genome position (GRCh38, 1-based): chr4:83,284,738, G>A on the plus strand (C>T on the coding strand, the complement: COQ2 is on the minus strand). VCF-style: chr4-83284738-G-A. GRCh37 (hg19) VCF-style: chr4-84205891-G-A.
Other names: c.177C>T, p.Phe59= (NM_015697.9); c.177C>T (NM_015697.7).
Identifiers: ClinVar variation 1937718 (VCV001937718.8), dbSNP rs747575952, ClinGen allele CA2988695.
Genomic context (GRCh38, chr4:83,284,738, plus strand): 5'-GAAGGAGCGGCCCCGCCAGCCCGGCAGCCACGCCAGTGCCACAGCCCGCAGGCCCCGCGC[G>A]AACCCCGCGGCTCGCGAGCCCAGCATGGCGCTGGTGAGGCCGGGACGAGCTCGGATTGAC-3'
Protein context (NP_001345850.1, residues 1-19): MLGSRAAG[Phe9=]ARGLRAVALA